The following is an entry in ClinVar:

NM_001195248.2(APTX):c.102G>C (p.Lys34Asn)

Gene: APTX (aprataxin; minus strand). Cytogenetic location: 9p21.1.
Variant type: single nucleotide variant.
Coding change: c.102G>C on transcript NM_001195248.2 (MANE Select); coding-DNA position 102, G replaced by C.
Protein change: p.Lys34Asn; replaces lysine 34 with asparagine.
Molecular consequence: missense variant. On other transcripts: 5 prime UTR variant (8), non-coding transcript variant (13).
Genome position (GRCh38, 1-based): chr9:32,989,790, C>G on the plus strand (G>C on the coding strand, the complement: APTX is on the minus strand). VCF-style: chr9-32989790-C-G. GRCh37 (hg19) VCF-style: chr9-32989788-C-G.
Other names: c.102G>C, p.Lys34Asn (NM_001195249.2, NM_001195250.2, NM_001195251.2 and 11 more transcripts); c.-158G>C (NM_001369002.1, NM_001369003.1, NM_001369005.1 and 4 more transcripts); c.-116G>C (NM_001369004.1); short protein forms K34N.
Identifiers: ClinVar variation 870838 (VCV000870838.44), dbSNP rs181835582, ClinGen allele CA5022655.

ClinVar aggregate classification (germline): Uncertain significance. Review status: criteria provided, multiple submitters, no conflicts (2 of 4 stars). 2 submissions from 2 submitters: Uncertain significance (2). Last evaluated 2025-08-29.

Allele frequency attached by ClinVar (database versions not stated): gnomAD exomes 0.00002 and 0.00006; ExAC 0.00003; gnomAD 0.00003 and 0.00005; TOPMed 0.00003; 1000 Genomes Project 0.00040; 1000 Genomes Project 30x 0.00062.
gnomAD v4.1: 38 of 1,614,262 alleles (0.0024%); highest among the groups gnomAD compares: East Asian, 0.053%; no homozygotes.

Submissions (2):

Labcorp Genetics (formerly Invitae), Labcorp
Classification: Uncertain significance. Last evaluated: 2025-08-29. Review status: criteria provided, single submitter. Criteria: Invitae Variant Classification Sherloc (09022015). Collection method: clinical testing. Allele origin: germline.
Comment: This sequence change replaces lysine, which is basic and polar, with asparagine, which is neutral and polar, at codon 34 of the APTX protein (p.Lys34Asn). This variant is present in population databases (rs181835582, gnomAD 0.07%). This variant has not been reported in the literature in individuals affected with APTX-related conditions. ClinVar contains an entry for this variant (Variation ID: 870838). Invitae Evidence Modeling of protein sequence and biophysical properties (such as structural, functional, and spatial information, amino acid conservation, physicochemical variation, residue mobility, and thermodynamic stability) indicates that this missense variant is not expected to disrupt APTX protein function with a negative predictive value of 80%. In summary, the available evidence is currently insufficient to determine the role of this variant in disease. Therefore, it has been classified as a Variant of Uncertain Significance.

CeGaT Center for Human Genetics Tuebingen
Classification: Uncertain significance. Last evaluated: 2019-12-01. Review status: criteria provided, single submitter. Criteria: CeGaT Center For Human Genetics Tuebingen Variant Classification Criteria Version 2. Collection method: clinical testing. Allele origin: germline. Affected: yes. Observed: 1 variant allele.